The following is an entry in ClinVar:

ClinVar aggregate classification (germline): Uncertain significance. Review status: criteria provided, multiple submitters, no conflicts (2 of 4 stars). 2 submissions from 2 submitters: Uncertain significance (2). Last evaluated 2024-06-11.

Conditions:
Cardiovascular phenotype. Identifiers: MedGen CN230736.
Distal myopathy with posterior leg and anterior hand involvement. Also called: WILLIAMS DISTAL MYOPATHY. Identifiers: Orphanet 63273, MedGen C3279722, MONDO:0013550, OMIM 614065.
Myofibrillar myopathy 5. Also called: Filaminopathy (type); FILAMINOPATHY, AUTOSOMAL DOMINANT. Identifiers: Orphanet 171445, MedGen C1836050, MONDO:0012289, OMIM 609524.
Hypertrophic cardiomyopathy 26. Also called: Cardiomyopathy, familial hypertrophic, 26. Identifiers: Orphanet 75249, MedGen C4310749, MONDO:0014883, OMIM 617047.

Allele frequency attached by ClinVar (database versions not stated): gnomAD exomes below 0.00001; gnomAD 0.00001.
gnomAD v4.1: 3 of 1,613,608 alleles (0.00019%); highest among the groups gnomAD compares: Non-Finnish European, 0.00025%; no homozygotes.

Submissions (2):

Labcorp Genetics (formerly Invitae), Labcorp
Classification: Uncertain significance for Distal myopathy with posterior leg and anterior hand involvement; Myofibrillar myopathy 5; Hypertrophic cardiomyopathy 26. Last evaluated: 2024-06-11. Review status: criteria provided, single submitter. Criteria: Invitae Variant Classification Sherloc (09022015). Collection method: clinical testing. Allele origin: germline.
Comment: This sequence change replaces isoleucine, which is neutral and non-polar, with threonine, which is neutral and polar, at codon 714 of the FLNC protein (p.Ile714Thr). This variant is not present in population databases (gnomAD no frequency). This missense change has been observed in individual(s) with arrhythmogenic cardiomyopathy (PMID: 31627847). ClinVar contains an entry for this variant (Variation ID: 539445). Advanced modeling of protein sequence and biophysical properties (such as structural, functional, and spatial information, amino acid conservation, physicochemical variation, residue mobility, and thermodynamic stability) has been performed at Invitae for this missense variant, however the output from this modeling did not meet the statistical confidence thresholds required to predict the impact of this variant on FLNC protein function. In summary, the available evidence is currently insufficient to determine the role of this variant in disease. Therefore, it has been classified as a Variant of Uncertain Significance.

Ambry Genetics
Classification: Uncertain significance for Cardiovascular phenotype. Last evaluated: 2023-11-16. Review status: criteria provided, single submitter. Criteria: Ambry Variant Classification Scheme 2023. Collection method: clinical testing. Allele origin: germline.
Comment: The p.I714T variant (also known as c.2141T>C), located in coding exon 14 of the FLNC gene, results from a T to C substitution at nucleotide position 2141. The isoleucine at codon 714 is replaced by threonine, an amino acid with similar properties. This variant has been detected in an individual with arrhythmogenic cardiomyopathy (Hall CL et al. Int J Cardiol, 2020 May;307:101-108). This amino acid position is well conserved in available vertebrate species. In addition, the in silico prediction for this alteration is inconclusive. Since supporting evidence is limited at this time, the clinical significance of this alteration remains unclear.

Literature cited by the submitters: PubMed 31627847 (cited by Labcorp Genetics (formerly Invitae), Labcorp and Ambry Genetics); PubMed 37280362 (cited by Ambry Genetics).

NM_001458.5(FLNC):c.2141T>C (p.Ile714Thr)

Genes: FLNC (filamin C; plus strand), LOC129999273 (ATAC-STARR-seq lymphoblastoid silent region 18616; plus strand). Cytogenetic location: 7q32.1.
Variant type: single nucleotide variant.
Coding change: c.2141T>C on transcript NM_001458.5 (MANE Select); coding-DNA position 2141, T replaced by C.
Protein change: p.Ile714Thr; replaces isoleucine 714 with threonine.
Molecular consequence: missense variant.
Genome position (GRCh38, 1-based): chr7:128,842,250, T>C. VCF-style: chr7-128842250-T-C. GRCh37 (hg19) VCF-style: chr7-128482304-T-C.
Other names: c.2141T>C, p.Ile714Thr (NM_001127487.2); short protein forms I714T.
Identifiers: ClinVar variation 539445 (VCV000539445.7), dbSNP rs1554398541, ClinGen allele CA369228648.